The following is an entry in ClinVar:

ClinVar aggregate classification (germline): Uncertain significance. Review status: criteria provided, multiple submitters, no conflicts (2 of 4 stars). 3 submissions from 3 submitters: Uncertain significance (3). Last evaluated 2025-10-18.

Conditions:
Inborn genetic diseases. Identifiers: MedGen C0950123, MeSH D030342.
Hajdu-Cheney syndrome (HJCYS). Also called: ACROOSTEOLYSIS WITH OSTEOPOROSIS AND CHANGES IN SKULL AND MANDIBLE; Acroosteolysis dominant type; SERPENTINE FIBULA-POLYCYSTIC KIDNEY SYNDROME. Identifiers: Orphanet 955, MedGen C0917715, MONDO:0007057, OMIM 102500.

Allele frequency attached by ClinVar (database versions not stated): TOPMed below 0.00001; gnomAD exomes 0.00001.
gnomAD v4.1: 47 of 1,612,892 alleles (0.0029%); highest among the groups gnomAD compares: Non-Finnish European, 0.0038%; no homozygotes.

Submissions (3):

Ambry Genetics
Classification: Uncertain significance for Inborn genetic diseases. Last evaluated: 2025-10-18. Review status: criteria provided, single submitter. Criteria: Ambry Variant Classification Scheme 2023. Collection method: clinical testing. Allele origin: germline.

Labcorp Genetics (formerly Invitae), Labcorp
Classification: Uncertain significance for Hajdu-Cheney syndrome. Last evaluated: 2025-01-23. Review status: criteria provided, single submitter. Criteria: Invitae Variant Classification Sherloc (09022015). Collection method: clinical testing. Allele origin: germline.
Comment: This sequence change replaces isoleucine, which is neutral and non-polar, with asparagine, which is neutral and polar, at codon 2084 of the NOTCH2 protein (p.Ile2084Asn). This variant is present in population databases (rs757880322, gnomAD 0.0009%). This variant has not been reported in the literature in individuals affected with NOTCH2-related conditions. ClinVar contains an entry for this variant (Variation ID: 290966). Invitae Evidence Modeling of protein sequence and biophysical properties (such as structural, functional, and spatial information, amino acid conservation, physicochemical variation, residue mobility, and thermodynamic stability) indicates that this missense variant is not expected to disrupt NOTCH2 protein function with a negative predictive value of 80%. In summary, the available evidence is currently insufficient to determine the role of this variant in disease. Therefore, it has been classified as a Variant of Uncertain Significance.

Eurofins Ntd Llc (ga)
Classification: Uncertain significance. Last evaluated: 2016-08-25. Review status: criteria provided, single submitter. Criteria: EGL Classification Definitions 2015. Collection method: clinical testing. Allele origin: germline. Observed: 1 variant allele, 1 heterozygote.

NM_024408.4(NOTCH2):c.6251T>A (p.Ile2084Asn)

Gene: NOTCH2 (notch receptor 2; minus strand). Cytogenetic location: 1p12.
Variant type: single nucleotide variant.
Coding change: c.6251T>A on transcript NM_024408.4 (MANE Select); coding-DNA position 6251, T replaced by A.
Protein change: p.Ile2084Asn; replaces isoleucine 2084 with asparagine.
Molecular consequence: missense variant.
Genome position (GRCh38, 1-based): chr1:119,916,471, A>T on the plus strand (T>A on the coding strand, the complement: NOTCH2 is on the minus strand). VCF-style: chr1-119916471-A-T. GRCh37 (hg19) VCF-style: chr1-120459094-A-T.
Other names: short protein forms I2084N.
Identifiers: ClinVar variation 290966 (VCV000290966.15), dbSNP rs757880322, ClinGen allele CA10606963.